The following is an entry in ClinVar:

ClinVar aggregate classification (germline): Uncertain significance (1 of 4 stars; one submission).

Allele frequency attached by ClinVar (database versions not stated): gnomAD exomes below 0.00001; TOPMed below 0.00001.
gnomAD v4.1: 3 of 1,614,150 alleles (0.00019%); highest among the groups gnomAD compares: Admixed American, 0.0017%; no homozygotes.

Submission:

Labcorp Genetics (formerly Invitae), Labcorp
Classification: Uncertain significance. Last evaluated: 2025-11-03. Review status: criteria provided, single submitter. Criteria: Invitae Variant Classification Sherloc (09022015). Collection method: clinical testing. Allele origin: germline.
Comment: This sequence change replaces glutamine, which is neutral and polar, with arginine, which is basic and polar, at codon 683 of the ARHGAP31 protein (p.Gln683Arg). This variant is not present in population databases (gnomAD no frequency). This variant has not been reported in the literature in individuals affected with ARHGAP31-related conditions. ClinVar contains an entry for this variant (Variation ID: 1435239). An algorithm developed to predict the effect of missense changes on protein structure and function (PolyPhen-2) suggests that this variant is likely to be tolerated. In summary, the available evidence is currently insufficient to determine the role of this variant in disease. Therefore, it has been classified as a Variant of Uncertain Significance.

NM_020754.4(ARHGAP31):c.2048A>G (p.Gln683Arg)

Gene: ARHGAP31 (Rho GTPase activating protein 31; plus strand). Cytogenetic location: 3q13.33.
Variant type: single nucleotide variant.
Coding change: c.2048A>G on transcript NM_020754.4 (MANE Select); coding-DNA position 2048, A replaced by G.
Protein change: p.Gln683Arg; replaces glutamine 683 with arginine.
Molecular consequence: missense variant.
Genome position (GRCh38, 1-based): chr3:119,413,977, A>G. VCF-style: chr3-119413977-A-G. GRCh37 (hg19) VCF-style: chr3-119132824-A-G.
Other names: short protein forms Q683R.
Identifiers: ClinVar variation 1435239 (VCV001435239.6), dbSNP rs961909748, ClinGen allele CA81697349.